The following is an entry in ClinVar:

NM_001111125.3(IQSEC2):c.2759A>G (p.Asn920Ser)

Gene: IQSEC2 (IQ motif and Sec7 domain ArfGEF 2; minus strand). Cytogenetic location: Xp11.22.
Variant type: single nucleotide variant.
Coding change: c.2759A>G on transcript NM_001111125.3 (MANE Select); coding-DNA position 2759, A replaced by G.
Protein change: p.Asn920Ser; replaces asparagine 920 with serine.
Molecular consequence: missense variant.
Genome position (GRCh38, 1-based): chrX:53,243,462, T>C on the plus strand (A>G on the coding strand, the complement: IQSEC2 is on the minus strand). VCF-style: chrX-53243462-T-C. GRCh37 (hg19) VCF-style: chrX-53272644-T-C.
Other names: c.2759A>G, p.Asn920Ser (NM_001410736.1); c.2144A>G, p.Asn715Ser (NM_015075.2); short protein forms N715S, N920S.
Identifiers: ClinVar variation 1710888 (VCV001710888.2), dbSNP rs2519746811, ClinGen allele CA413154431.

ClinVar aggregate classification (germline): Uncertain significance (1 of 4 stars; one submission).

Allele frequency attached by ClinVar (database versions not stated): gnomAD exomes below 0.00001.
gnomAD v4.1: 1 of 1,176,903 alleles (0.000085%); highest among the groups gnomAD compares: Non-Finnish European, 0.00011%; no homozygotes.

Submission:

GeneDx
Classification: Uncertain significance. Last evaluated: 2022-04-15. Review status: criteria provided, single submitter. Criteria: GeneDx Variant Classification Process June 2021. Collection method: clinical testing. Allele origin: germline. Affected: yes.
Comment: Not observed at significant frequency in large population cohorts (gnomAD); In silico analysis supports that this missense variant has a deleterious effect on protein structure/function; Has not been previously published as pathogenic or benign to our knowledge; This variant is associated with the following publications: (PMID: 20473311)